The following is an entry in ClinVar:

NM_001031710.3(KLHL7):c.484A>G (p.Lys162Glu)

Gene: KLHL7 (kelch like family member 7; plus strand). Cytogenetic location: 7p15.3.
Variant type: single nucleotide variant.
Coding change: c.484A>G on transcript NM_001031710.3 (MANE Select); coding-DNA position 484, A replaced by G.
Protein change: p.Lys162Glu; replaces lysine 162 with glutamic acid.
Molecular consequence: missense variant. On other transcripts: non-coding transcript variant (1).
Genome position (GRCh38, 1-based): chr7:23,140,810, A>G. VCF-style: chr7-23140810-A-G. GRCh37 (hg19) VCF-style: chr7-23180429-A-G.
Other names: c.340A>G, p.Lys114Glu (NM_018846.5); short protein forms K162E, K114E.
Identifiers: ClinVar variation 934272 (VCV000934272.11), dbSNP rs1784157420, ClinGen allele CA366976031.
Genomic context (GRCh38, chr7:23,140,810, plus strand): 5'-ATTTTCTTTCTGTGTTTAGGTATAAGTGTGCTAGCGGAGTGTCTAGATTGTCCTGAATTG[A>G]AAGCAACTGCAGATGACTTTATTCATCAGCACTTTACTGAAGTTTACAAAACTGATGAAT-3'
Protein context (NP_001026880.2, residues 152-172): LAECLDCPEL[Lys162Glu]ATADDFIHQH

ClinVar aggregate classification (germline): Uncertain significance. Review status: criteria provided, multiple submitters, no conflicts (2 of 4 stars). 3 submissions from 3 submitters: Uncertain significance (3). Last evaluated 2025-05-01.

Submissions (3):

GeneDx
Classification: Uncertain significance. Last evaluated: 2025-05-01. Review status: criteria provided, single submitter. Criteria: GeneDx Variant Classification Process June 2021. Collection method: clinical testing. Allele origin: germline. Affected: yes.
Comment: Not observed at significant frequency in large population cohorts (gnomAD); In silico analysis suggests that this missense variant does not alter protein structure/function; Has not been previously published as pathogenic or benign to our knowledge

Labcorp Genetics (formerly Invitae), Labcorp
Classification: Uncertain significance. Last evaluated: 2022-02-24. Review status: criteria provided, single submitter. Criteria: Invitae Variant Classification Sherloc (09022015). Collection method: clinical testing. Allele origin: germline.
Comment: In summary, the available evidence is currently insufficient to determine the role of this variant in disease. Therefore, it has been classified as a Variant of Uncertain Significance. Algorithms developed to predict the effect of missense changes on protein structure and function are either unavailable or do not agree on the potential impact of this missense change (SIFT: "Deleterious"; PolyPhen-2: "Benign"; Align-GVGD: "Class C55"). ClinVar contains an entry for this variant (Variation ID: 934272). This variant has not been reported in the literature in individuals affected with KLHL7-related conditions. This variant is not present in population databases (gnomAD no frequency). This sequence change replaces lysine, which is basic and polar, with glutamic acid, which is acidic and polar, at codon 162 of the KLHL7 protein (p.Lys162Glu).

Blueprint Genetics
Classification: Uncertain significance. Last evaluated: 2019-09-13. Review status: criteria provided, single submitter. Criteria: ACMG Guidelines, 2015. Collection method: clinical testing. Allele origin: germline.